The following is an entry in ClinVar:

ClinVar aggregate classification (germline): Conflicting classifications of pathogenicity. Review status: criteria provided, conflicting classifications (1 of 4 stars). 6 submissions from 6 submitters: Uncertain significance (3); Likely benign (3). Last evaluated 2026-10-23.

Conditions:
Hypercholesterolemia, autosomal dominant, type B (FHCL2). Also called: Familial hypercholesterolemia 2; APOLIPOPROTEIN B-100, FAMILIAL DEFECTIVE; APOLIPOPROTEIN B-100, FAMILIAL LIGAND-DEFECTIVE; HYPERCHOLESTEROLEMIA, FAMILIAL, DUE TO LIGAND-DEFECTIVE APOLIPOPROTEIN B; APOB-Related Familial Hypercholesterolemia, Autosomal Dominant; Familial Hypercholesterolemia Type B. Identifiers: MedGen C1704417, MONDO:0007751, OMIM 144010.
Familial hypobetalipoproteinemia 1. Also called: APOB-Related Familial Hypobetalipoproteinemia; Hypobetalipoproteinemia, normotriglyceridemic; Acanthocytosis with hypobetalipoproteinemia. Identifiers: MedGen C4551990, MONDO:0014252, OMIM 615558.
Familial hypercholesterolemia. Also called: Familial hypercholesterolemias; Familial hypercholesterolaemia. Identifiers: MedGen C0020445, MONDO:0005439.
Cardiovascular phenotype. Identifiers: MedGen CN230736.

Allele frequency attached by ClinVar (database versions not stated): TOPMed below 0.00001; gnomAD 0.00001; ExAC 0.00002; gnomAD exomes 0.00002.
gnomAD v4.1: 19 of 1,613,852 alleles (0.0012%); highest among the groups gnomAD compares: Admixed American, 0.0017%; no homozygotes.

Submissions (6):

Cambridge Genomics Laboratory, East Genomic Laboratory Hub, NHS Genomic Medicine Service
Classification: Uncertain significance for Familial hypercholesterolaemia. Last evaluated: 2026-10-23. Review status: criteria provided, single submitter. Criteria: ACGS Best Practice Guidelines for Variant Classification in Rare Disease 2020. Collection method: clinical testing. Allele origin: germline. Affected: yes.
Comment: PS4_Supporting,PM2_Supporting,PP4

Labcorp Genetics (formerly Invitae), Labcorp
Classification: Likely benign for Familial hypobetalipoproteinemia 1; Hypercholesterolemia, autosomal dominant, type B. Last evaluated: 2025-11-18. Review status: criteria provided, single submitter. Criteria: Invitae Variant Classification Sherloc (09022015). Collection method: clinical testing. Allele origin: germline.

Genetics Laboratory, Great Ormond Street Hospital NHS Foundation Trust, North Thames Genomic Laboratory Hub
Classification: Uncertain significance for Familial hypercholesterolaemia. Last evaluated: 2025-10-01. Review status: criteria provided, single submitter. Criteria: ACGS Best Practice Guidelines for Variant Classification in Rare Disease 2024 v1.2. Collection method: clinical testing. Allele origin: germline. Affected: yes.
Comment: PS4_moderate, PM2_supporting, PM1_moderate

Ambry Genetics
Classification: Likely benign for Cardiovascular phenotype. Last evaluated: 2024-05-06. Review status: criteria provided, single submitter. Criteria: Ambry Variant Classification Scheme 2023. Collection method: clinical testing. Allele origin: germline.

Laboratory for Molecular Medicine, Mass General Brigham Personalized Medicine
Classification: Likely benign. Last evaluated: 2017-12-04. Review status: criteria provided, single submitter. Criteria: ACMG Guidelines, 2015. Collection method: clinical testing. Allele origin: germline.
Comment: p.Asp3149Asn in exon 26 of APOB: This variant is not expected to have clinical significance due to a lack of conservation across species, including mammals. Of note, 7 species have an Ile at this position despite high nearby amino acid conservation. In addition, computational prediction tools do not suggest a high likelihood of impact to the protein. It has also been identified in 4/126344 European chromosomes by the Genome Aggregation Database (gnomAD; rs759354804). ACMG/AMP Criteria applied: BP4_S

Molecular Diagnostic Laboratory for Inherited Cardiovascular Disease, Montreal Heart Institute
Classification: Uncertain significance. Review status: criteria provided, single submitter. Criteria: ACMG Guidelines, 2015. Collection method: clinical testing. Allele origin: germline. Affected: yes.

NM_000384.3(APOB):c.9445G>A (p.Asp3149Asn)

Gene: APOB (apolipoprotein B; minus strand). Cytogenetic location: 2p24.1.
Variant type: single nucleotide variant.
Coding change: c.9445G>A on transcript NM_000384.3 (MANE Select); coding-DNA position 9445, G replaced by A.
Protein change: p.Asp3149Asn; replaces aspartic acid 3149 with asparagine.
Molecular consequence: missense variant.
Genome position (GRCh38, 1-based): chr2:21,007,423, C>T on the plus strand (G>A on the coding strand, the complement: APOB is on the minus strand). VCF-style: chr2-21007423-C-T. GRCh37 (hg19) VCF-style: chr2-21230295-C-T.
Other names: short protein forms D3149N.
Identifiers: ClinVar variation 630268 (VCV000630268.16), dbSNP rs759354804, ClinGen allele CA066532.